The following is an entry in ClinVar:

ClinVar aggregate classification (germline): Uncertain significance (1 of 4 stars; one submission).

Conditions:
Hereditary cancer-predisposing syndrome. Also called: Tumor predisposition; Hereditary Cancer Syndrome; Neoplastic Syndromes, Hereditary; Hereditary neoplastic syndrome. Identifiers: Orphanet 140162, MedGen C0027672, MeSH D009386, MONDO:0015356.

Submission:

Color Diagnostics, LLC DBA Color Health
Classification: Uncertain significance for Hereditary cancer-predisposing syndrome. Last evaluated: 2025-05-06. Review status: criteria provided, single submitter. Criteria: ACMG Guidelines, 2015. Collection method: clinical testing. Allele origin: germline.
Comment: This missense variant replaces lysine with arginine at codon 1614 of the BRCA2 protein. Computational prediction suggests that this variant may not impact protein structure and function. To our knowledge, functional studies have not been reported for this variant. This variant has not been reported in individuals affected with BRCA2-related disorders in the literature. This variant has not been identified in the general population by the Genome Aggregation Database (gnomAD). The available evidence is insufficient to determine the role of this variant in disease conclusively. Therefore, this variant is classified as a Variant of Uncertain Significance.

NM_000059.4(BRCA2):c.4841A>G (p.Lys1614Arg)

Gene: BRCA2 (BRCA2 DNA repair associated; plus strand). Cytogenetic location: 13q13.1.
Variant type: single nucleotide variant.
Coding change: c.4841A>G on transcript NM_000059.4 (MANE Select); coding-DNA position 4841, A replaced by G.
Protein change: p.Lys1614Arg; replaces lysine 1614 with arginine.
Molecular consequence: missense variant. On other transcripts: non-coding transcript variant (1), intron variant (2).
Genome position (GRCh38, 1-based): chr13:32,339,196, A>G. VCF-style: chr13-32339196-A-G. GRCh37 (hg19) VCF-style: chr13-32913333-A-G.
Other names: c.4841A>G, p.Lys1614Arg (NM_001406719.1, NM_001406720.1, NM_001432077.1); c.1910-5362A>G (NM_001406721.1); c.425-5362A>G (NM_001406722.1); short protein forms K1614R.
Identifiers: ClinVar variation 4756751 (VCV004756751.1).